The following is an entry in ClinVar:

ClinVar aggregate classification (germline): Uncertain significance (1 of 4 stars; one submission).

Conditions:
Aortic aneurysm, familial thoracic 4 (AAT4). Also called: AORTIC ANEURYSM/AORTIC DISSECTION AND PATENT DUCTUS ARTERIOSUS. Identifiers: MedGen C1851504, MONDO:0007568, OMIM 132900.

gnomAD v4.1: 1 of 1,614,102 alleles (0.000062%); highest among the groups gnomAD compares: Non-Finnish European, 0.000085%; no homozygotes.

Submission:

Labcorp Genetics (formerly Invitae), Labcorp
Classification: Uncertain significance for Aortic aneurysm, familial thoracic 4. Last evaluated: 2026-01-09. Review status: criteria provided, single submitter. Criteria: Invitae Variant Classification Sherloc (09022015). Collection method: clinical testing. Allele origin: germline.
Comment: This sequence change replaces leucine, which is neutral and non-polar, with valine, which is neutral and non-polar, at codon 1612 of the MYH11 protein (p.Leu1612Val). This variant is not present in population databases (gnomAD no frequency). This variant has not been reported in the literature in individuals affected with MYH11-related conditions. Invitae Evidence Modeling of protein sequence and biophysical properties (such as structural, functional, and spatial information, amino acid conservation, physicochemical variation, residue mobility, and thermodynamic stability) indicates that this missense variant is not expected to disrupt MYH11 protein function with a negative predictive value of 95%. In summary, the available evidence is currently insufficient to determine the role of this variant in disease. Therefore, it has been classified as a Variant of Uncertain Significance.

NM_002474.3(MYH11):c.4813C>G (p.Leu1605Val)

Genes: MYH11 (myosin heavy chain 11; minus strand), NDE1 (nudE neurodevelopment protein 1; plus strand). Cytogenetic location: 16p13.11.
Variant type: single nucleotide variant.
Coding change: c.4813C>G on transcript NM_002474.3 (MANE Select); coding-DNA position 4813, C replaced by G.
Protein change: p.Leu1605Val; replaces leucine 1605 with valine.
Molecular consequence: missense variant. On other transcripts: intron variant (2).
Genome position (GRCh38, 1-based): chr16:15,720,291, G>C on the plus strand (C>G on the coding strand, the complement: MYH11 is on the minus strand). VCF-style: chr16-15720291-G-C. GRCh37 (hg19) VCF-style: chr16-15814148-G-C.
Other names: c.4834C>G, p.Leu1612Val (NM_001040113.2, NM_001040114.2); c.4813C>G, p.Leu1605Val (NM_022844.3); c.948-3900G>C (NM_001143979.2, NM_017668.3); short protein forms L1605V, L1612V.
Identifiers: ClinVar variation 4805405 (VCV004805405.1).
Genomic context (GRCh38, chr16:15,720,291, plus strand): 5'-CCCCTTCCAGCTTCTTCTTTGCTGCAGCTGCCAGGGCACGTTGCTTTCGCTCGTCTTCCA[G>C]TTCCGTCTCATACTCGTGAAGCTGGGCGAGGAATAGAGATGTGTGCTGCCCCACTTGCCC-3'
Protein context (NP_002465.1, residues 1595-1615): QRQLHEYETE[Leu1605Val]EDERKQRALA